The following is an entry in ClinVar:

NM_012072.4(CD93):c.1439C>G (p.Pro480Arg)

Gene: CD93 (CD93 molecule; minus strand). Cytogenetic location: 20p11.21.
Variant type: single nucleotide variant.
Coding change: c.1439C>G on transcript NM_012072.4 (MANE Select); coding-DNA position 1439, C replaced by G.
Protein change: p.Pro480Arg; replaces proline 480 with arginine.
Molecular consequence: missense variant.
Genome position (GRCh38, 1-based): chr20:23,084,754, G>C on the plus strand (C>G on the coding strand, the complement: CD93 is on the minus strand). VCF-style: chr20-23084754-G-C. GRCh37 (hg19) VCF-style: chr20-23065391-G-C.
Other names: short protein forms P480R.
Identifiers: ClinVar variation 3033416 (VCV003033416.3), dbSNP rs2515231461, ClinGen allele CA408414248.

ClinVar aggregate classification (germline): Uncertain significance. Review status: criteria provided, single submitter (1 of 4 stars). 2 submissions from 2 submitters: Uncertain significance (1). 1 of the submissions does not count toward it. Last evaluated 2025-11-24.

Conditions:
CD93-related disorder. Also called: CD93-related condition.

Allele frequency attached by ClinVar (database versions not stated): gnomAD exomes below 0.00001.
gnomAD v4.1: 2 of 1,610,072 alleles (0.00012%); highest among the groups gnomAD compares: South Asian, 0.0022%; no homozygotes.

Submissions (2):

Ambry Genetics
Classification: Uncertain significance. Last evaluated: 2025-11-24. Review status: criteria provided, single submitter. Criteria: Ambry Variant Classification Scheme 2023. Collection method: clinical testing. Allele origin: germline.

PreventionGenetics, part of Exact Sciences
Classification: Uncertain significance for CD93-related condition. Last evaluated: 2023-12-05. Review status: no assertion criteria provided. Collection method: clinical testing. Allele origin: germline. Not counted in ClinVar's aggregate classification.
Comment: The CD93 c.1439C>G variant is predicted to result in the amino acid substitution p.Pro480Arg. To our knowledge, this variant has not been reported in the literature or in a large population database, indicating this variant is rare. At this time, the clinical significance of this variant is uncertain due to the absence of conclusive functional and genetic evidence.